The following is an entry in ClinVar:

ClinVar aggregate classification (germline): Uncertain significance (1 of 4 stars; one submission).

Conditions:
Mosaic variegated aneuploidy syndrome 1 (MVA1). Also called: Warburton-Anyane-Yeboa syndrome. Identifiers: Orphanet 1052, MedGen C1850343, MONDO:0009759, OMIM 257300.

Submission:

Labcorp Genetics (formerly Invitae), Labcorp
Classification: Uncertain significance for Mosaic variegated aneuploidy syndrome 1. Last evaluated: 2021-05-10. Review status: criteria provided, single submitter. Criteria: Invitae Variant Classification Sherloc (09022015). Collection method: clinical testing. Allele origin: germline.
Comment: This sequence change replaces isoleucine with valine at codon 82 of the BUB1B protein (p.Ile82Val). The isoleucine residue is highly conserved and there is a small physicochemical difference between isoleucine and valine. This variant is not present in population databases (ExAC no frequency). This variant has not been reported in the literature in individuals with BUB1B-related conditions. Algorithms developed to predict the effect of missense changes on protein structure and function are either unavailable or do not agree on the potential impact of this missense change (SIFT: "Tolerated"; PolyPhen-2: "Probably Damaging"; Align-GVGD: "Class C0"). Algorithms developed to predict the effect of sequence changes on RNA splicing suggest that this variant may create or strengthen a splice site, but this prediction has not been confirmed by published transcriptional studies. In summary, the available evidence is currently insufficient to determine the role of this variant in disease. Therefore, it has been classified as a Variant of Uncertain Significance.

NM_001211.6(BUB1B):c.244A>G (p.Ile82Val)

Gene: BUB1B (BUB1 mitotic checkpoint serine/threonine kinase B; plus strand). Cytogenetic location: 15q15.1.
Variant type: single nucleotide variant.
Coding change: c.244A>G on transcript NM_001211.6 (MANE Select); coding-DNA position 244, A replaced by G.
Protein change: p.Ile82Val; replaces isoleucine 82 with valine.
Molecular consequence: missense variant.
Genome position (GRCh38, 1-based): chr15:40,170,541, A>G. VCF-style: chr15-40170541-A-G. GRCh37 (hg19) VCF-style: chr15-40462742-A-G.
Other names: short protein forms I82V.
Identifiers: ClinVar variation 1437969 (VCV001437969.8), dbSNP rs2140881732, ClinGen allele CA391678855.
Genomic context (GRCh38, chr15:40,170,541, plus strand): 5'-GAACAAAAGTACATGTTCAATTTAAAATGTGTTCTTATCTTTTTCCTCCCATTTAGGTAT[A>G]TCAGCTGGACAGAGCAGAACTATCCTCAAGGTGGGAAGGAGAGTAATATGTCAACGTTAT-3'
Protein context (NP_001202.5, residues 72-92): NDPLDVWDRY[Ile82Val]SWTEQNYPQG